The following is an entry in ClinVar:

ClinVar aggregate classification (germline): not provided (0 of 4 stars; one submission).

Allele frequency attached by ClinVar (database versions not stated): gnomAD exomes 0.00001.
gnomAD v4.1: 5 of 1,613,922 alleles (0.00031%); highest among the groups gnomAD compares: Middle Eastern, 0.016%; no homozygotes.

Submission:

ITMI
No classification provided. Condition: AllHighlyPenetrant. Last evaluated: 2013-09-19. Review status: no classification provided. Collection method: reference population. Allele origin: germline.
Comment: Please see associated publication for description of ethnicities

Literature cited by the submitters: PubMed 24728327.

NM_004119.3(FLT3):c.1181A>G (p.Gln394Arg)

Gene: FLT3 (fms related receptor tyrosine kinase 3; minus strand). Cytogenetic location: 13q12.2.
Variant type: single nucleotide variant.
Coding change: c.1181A>G on transcript NM_004119.3 (MANE Select); coding-DNA position 1181, A replaced by G.
Protein change: p.Gln394Arg; replaces glutamine 394 with arginine.
Molecular consequence: missense variant. On other transcripts: non-coding transcript variant (1).
Genome position (GRCh38, 1-based): chr13:28,048,299, T>C on the plus strand (A>G on the coding strand, the complement: FLT3 is on the minus strand). VCF-style: chr13-28048299-T-C. GRCh37 (hg19) VCF-style: chr13-28622436-T-C.
Other names: short protein forms Q394R.
Identifiers: ClinVar variation 134453 (VCV000134453.1), dbSNP rs587778372, ClinGen allele CA159864.